The following is an entry in ClinVar:

NM_014023.4(WDR37):c.15C>T (p.Ser5=)

Gene: WDR37 (WD repeat domain 37; plus strand). Cytogenetic location: 10p15.3.
Variant type: single nucleotide variant.
Coding change: c.15C>T on transcript NM_014023.4 (MANE Select); coding-DNA position 15, C replaced by T.
Protein change: p.Ser5=; no amino-acid change (serine 5 retained).
Molecular consequence: synonymous variant.
Genome position (GRCh38, 1-based): chr10:1,072,170, C>T. VCF-style: chr10-1072170-C-T. GRCh37 (hg19) VCF-style: chr10-1118110-C-T.
Identifiers: ClinVar variation 2640271 (VCV002640271.24), dbSNP rs751039874, ClinGen allele CA5383840.

ClinVar aggregate classification (germline): Likely benign (1 of 4 stars; one submission).

Allele frequency attached by ClinVar (database versions not stated): ExAC 0.00001; gnomAD exomes 0.00002; TOPMed 0.00003.
gnomAD v4.1: 29 of 1,614,092 alleles (0.0018%); highest among the groups gnomAD compares: South Asian, 0.0022%; no homozygotes.

Submission:

CeGaT Center for Human Genetics Tuebingen
Classification: Likely benign. Last evaluated: 2023-01-01. Review status: criteria provided, single submitter. Criteria: CeGaT Center For Human Genetics Tuebingen Variant Classification Criteria Version 2. Collection method: clinical testing. Allele origin: germline. Affected: yes. Observed: 1 variant allele.
Comment: WDR37: BP4, BP7